The following is an entry in ClinVar:

NM_006371.5(CRTAP):c.101G>T (p.Arg34Leu)

Gene: CRTAP (cartilage associated protein; plus strand). Cytogenetic location: 3p22.3.
Variant type: single nucleotide variant.
Coding change: c.101G>T on transcript NM_006371.5 (MANE Select); coding-DNA position 101, G replaced by T.
Protein change: p.Arg34Leu; replaces arginine 34 with leucine.
Molecular consequence: missense variant.
Genome position (GRCh38, 1-based): chr3:33,114,178, G>T. VCF-style: chr3-33114178-G-T. GRCh37 (hg19) VCF-style: chr3-33155670-G-T.
Other names: short protein forms R34L.
Identifiers: ClinVar variation 951527 (VCV000951527.4), dbSNP rs1468902182, ClinGen allele CA352008159.
Genomic context (GRCh38, chr3:33,114,178, plus strand): 5'-TGCTGTGCGTGGCCTGCGCGCTGCGCGCCGGGCGCGCCCAATACGAACGCTACAGCTTCC[G>T]CAGCTTCCCACGGGACGAGCTGATGCCGCTCGAGTCGGCCTACCGGCACGCGCTGGACAA-3'
Protein context (NP_006362.1, residues 24-44): GRAQYERYSF[Arg34Leu]SFPRDELMPL

ClinVar aggregate classification (germline): Uncertain significance. Review status: criteria provided, multiple submitters, no conflicts (2 of 4 stars). 2 submissions from 2 submitters: Uncertain significance (2). Last evaluated 2024-04-01.

Conditions:
Osteogenesis imperfecta type 7 (OI7). Also called: OI type 7; OI type VII; OSTEOGENESIS IMPERFECTA, TYPE IIB; Osteogenesis imperfecta type 2B; OI type 2B; Osteogenesis imperfecta, perinatal lethal autosomal recessive. Identifiers: MedGen C1853162, MONDO:0012536, OMIM 610682.
Inborn genetic diseases. Identifiers: MedGen C0950123, MeSH D030342.

Allele frequency attached by ClinVar (database versions not stated): gnomAD exomes below 0.00001.
gnomAD v4.1: 24 of 1,592,020 alleles (0.0015%); highest among the groups gnomAD compares: Non-Finnish European, 0.002%; no homozygotes.

Submissions (2):

Ambry Genetics
Classification: Uncertain significance for Inborn genetic diseases. Last evaluated: 2024-04-01. Review status: criteria provided, single submitter. Criteria: Ambry Variant Classification Scheme 2023. Collection method: clinical testing. Allele origin: germline.

Labcorp Genetics (formerly Invitae), Labcorp
Classification: Uncertain significance for Osteogenesis imperfecta type 7. Last evaluated: 2021-09-01. Review status: criteria provided, single submitter. Criteria: Invitae Variant Classification Sherloc (09022015). Collection method: clinical testing. Allele origin: germline.
Comment: This sequence change replaces arginine with leucine at codon 34 of the CRTAP protein (p.Arg34Leu). The arginine residue is highly conserved and there is a moderate physicochemical difference between arginine and leucine. This variant is not present in population databases (ExAC no frequency). This variant has not been reported in the literature in individuals affected with CRTAP-related conditions. Algorithms developed to predict the effect of missense changes on protein structure and function are either unavailable or do not agree on the potential impact of this missense change (SIFT: "Deleterious"; PolyPhen-2: "Possibly Damaging"; Align-GVGD: "Class C0"). In summary, the available evidence is currently insufficient to determine the role of this variant in disease. Therefore, it has been classified as a Variant of Uncertain Significance.